The following is an entry in ClinVar:

ClinVar aggregate classification (germline): Uncertain significance (1 of 4 stars; one submission).

Conditions:
Mitochondrial complex II deficiency, nuclear type 1. Also called: SUCCINATE CoQ REDUCTASE DEFICIENCY. Identifiers: Orphanet 3208, MedGen C5700310, MONDO:0100294, OMIM 252011.
Pheochromocytoma/paraganglioma syndrome 5. Also called: Paragangliomas 5; SDHA-Related Hereditary Paraganglioma-Pheochromocytoma Syndrome. Identifiers: Orphanet 29072, MedGen C3279992, MONDO:0013602, OMIM 614165.

Allele frequency attached by ClinVar (database versions not stated): gnomAD exomes below 0.00001.
gnomAD v4.1: 1 of 1,614,122 alleles (0.000062%); highest among the groups gnomAD compares: Non-Finnish European, 0.000085%; no homozygotes.

Submission:

Labcorp Genetics (formerly Invitae), Labcorp
Classification: Uncertain significance for Pheochromocytoma/paraganglioma syndrome 5; Mitochondrial complex II deficiency, nuclear type 1. Last evaluated: 2023-03-29. Review status: criteria provided, single submitter. Criteria: Invitae Variant Classification Sherloc (09022015). Collection method: clinical testing. Allele origin: germline.
Comment: In summary, the available evidence is currently insufficient to determine the role of this variant in disease. Therefore, it has been classified as a Variant of Uncertain Significance. Advanced modeling of protein sequence and biophysical properties (such as structural, functional, and spatial information, amino acid conservation, physicochemical variation, residue mobility, and thermodynamic stability) performed at Invitae indicates that this missense variant is not expected to disrupt SDHA protein function. ClinVar contains an entry for this variant (Variation ID: 1374603). This variant has not been reported in the literature in individuals affected with SDHA-related conditions. This variant is not present in population databases (gnomAD no frequency). This sequence change replaces threonine, which is neutral and polar, with serine, which is neutral and polar, at codon 203 of the SDHA protein (p.Thr203Ser).

NM_004168.4(SDHA):c.608C>G (p.Thr203Ser)

Gene: SDHA (succinate dehydrogenase complex flavoprotein subunit A; plus strand). Cytogenetic location: 5p15.33.
Variant type: single nucleotide variant.
Coding change: c.608C>G on transcript NM_004168.4 (MANE Select); coding-DNA position 608, C replaced by G.
Protein change: p.Thr203Ser; replaces threonine 203 with serine.
Molecular consequence: missense variant.
Genome position (GRCh38, 1-based): chr5:226,034, C>G. VCF-style: chr5-226034-C-G. GRCh37 (hg19) VCF-style: chr5-226149-C-G.
Other names: c.464C>G, p.Thr155Ser (NM_001294332.2); c.608C>G, p.Thr203Ser (NM_001330758.2); short protein forms T155S, T203S.
Identifiers: ClinVar variation 1374603 (VCV001374603.6), dbSNP rs1735001122, ClinGen allele CA359010643.